The following is an entry in ClinVar:

ClinVar aggregate classification (germline): Likely benign. Review status: criteria provided, single submitter (1 of 4 stars). 2 submissions from 2 submitters: Likely benign (1). 1 of the submissions does not count toward it. Last evaluated 2025-06-03.

Conditions:
UNC45A-related disorder. Also called: UNC45A-related condition.

Allele frequency attached by ClinVar (database versions not stated): gnomAD 0.00003; TOPMed 0.00003; ExAC 0.00012; gnomAD exomes 0.00012 and 0.00013.
gnomAD v4.1: 188 of 1,613,830 alleles (0.012%); highest among the groups gnomAD compares: Admixed American, 0.04%; no homozygotes.

Submissions (2):

Labcorp Genetics (formerly Invitae), Labcorp
Classification: Likely benign. Last evaluated: 2025-06-03. Review status: criteria provided, single submitter. Criteria: Invitae Variant Classification Sherloc (09022015). Collection method: clinical testing. Allele origin: germline.

PreventionGenetics, part of Exact Sciences
Classification: Likely benign for UNC45A-related condition. Last evaluated: 2019-03-18. Review status: no assertion criteria provided. Collection method: clinical testing. Allele origin: germline. Not counted in ClinVar's aggregate classification.
Comment: This variant is classified as likely benign based on ACMG/AMP sequence variant interpretation guidelines (Richards et al. 2015 PMID: 25741868, with internal and published modifications).

NM_018671.5(UNC45A):c.2007-9T>C

Gene: UNC45A (unc-45 myosin chaperone A; plus strand). Cytogenetic location: 15q26.1.
Variant type: single nucleotide variant.
Coding change: c.2007-9T>C on transcript NM_018671.5 (MANE Select); 9 bases into the intron before coding-DNA position 2007, T replaced by C.
Molecular consequence: intron variant.
Genome position (GRCh38, 1-based): chr15:90,949,645, T>C. VCF-style: chr15-90949645-T-C. GRCh37 (hg19) VCF-style: chr15-91492875-T-C.
Other names: c.1962-9T>C (NM_001039675.2, NM_001323621.2); c.2007-9T>C (NM_001323619.1); c.1572-9T>C (NM_001323620.2).
Identifiers: ClinVar variation 1609133 (VCV001609133.10), dbSNP rs779196251, ClinGen allele CA7743155.
Genomic context (GRCh38, chr15:90,949,645, plus strand): 5'-GCCTAGGAGTGCAGCGTCTGCCTGCCAGAGTCCCAGAGCTGCCTGCCCACCACCGCCTTC[T>C]CCCCACAGGGTCTTCTTGGCTTTAGTGGAAGAGGTAGAGGACCGAGGCACTGTGGTTGCC-3'